The following is an entry in ClinVar:

NM_000019.4(ACAT1):c.1078G>A (p.Val360Ile)

Gene: ACAT1 (acetyl-CoA acetyltransferase 1; plus strand). Cytogenetic location: 11q22.3.
Variant type: single nucleotide variant.
Coding change: c.1078G>A on transcript NM_000019.4 (MANE Select); coding-DNA position 1078, G replaced by A.
Protein change: p.Val360Ile; replaces valine 360 with isoleucine.
Molecular consequence: missense variant. On other transcripts: non-coding transcript variant (2).
Genome position (GRCh38, 1-based): chr11:108,146,274, G>A. VCF-style: chr11-108146274-G-A. GRCh37 (hg19) VCF-style: chr11-108017001-G-A.
Other names: c.1078G>A, p.Val360Ile (NM_001386677.1); c.763G>A, p.Val255Ile (NM_001386678.1); c.781G>A, p.Val261Ile (NM_001386679.1); c.808G>A, p.Val270Ile (NM_001386681.1, NM_001386682.1, NM_001386685.1 and 6 more transcripts); short protein forms V270I, V255I, V261I, V360I.
Identifiers: ClinVar variation 2846638 (VCV002846638.3), dbSNP rs2496659154, ClinGen allele CA382508493.

ClinVar aggregate classification (germline): Uncertain significance (1 of 4 stars; one submission).

Conditions:
Deficiency of acetyl-CoA acetyltransferase. Also called: 3-KETOTHIOLASE DEFICIENCY; 3-OXOTHIOLASE DEFICIENCY; Beta-ketothiolase deficiency; MITOCHONDRIAL ACETOACETYL-CoA THIOLASE DEFICIENCY. Identifiers: Orphanet 134, MedGen C1536500, MONDO:0008760, OMIM 203750. Disease mechanism: loss of function.

Submission:

Labcorp Genetics (formerly Invitae), Labcorp
Classification: Uncertain significance for Deficiency of acetyl-CoA acetyltransferase. Last evaluated: 2023-03-17. Review status: criteria provided, single submitter. Criteria: Invitae Variant Classification Sherloc (09022015). Collection method: clinical testing. Allele origin: germline.
Comment: This variant is not present in population databases (gnomAD no frequency). In summary, the available evidence is currently insufficient to determine the role of this variant in disease. Therefore, it has been classified as a Variant of Uncertain Significance. Advanced modeling of protein sequence and biophysical properties (such as structural, functional, and spatial information, amino acid conservation, physicochemical variation, residue mobility, and thermodynamic stability) performed at Invitae indicates that this missense variant is expected to disrupt ACAT1 protein function. This variant has not been reported in the literature in individuals affected with ACAT1-related conditions. This sequence change replaces valine, which is neutral and non-polar, with isoleucine, which is neutral and non-polar, at codon 360 of the ACAT1 protein (p.Val360Ile).